The following is an entry in ClinVar:

NM_000158.4(GBE1):c.1241T>C (p.Val414Ala)

Gene: GBE1 (1,4-alpha-glucan branching enzyme 1; minus strand). Cytogenetic location: 3p12.2.
Variant type: single nucleotide variant.
Coding change: c.1241T>C on transcript NM_000158.4 (MANE Select); coding-DNA position 1241, T replaced by C.
Protein change: p.Val414Ala; replaces valine 414 with alanine.
Molecular consequence: missense variant.
Genome position (GRCh38, 1-based): chr3:81,586,186, A>G on the plus strand (T>C on the coding strand, the complement: GBE1 is on the minus strand). VCF-style: chr3-81586186-A-G. GRCh37 (hg19) VCF-style: chr3-81635337-A-G.
Other names: short protein forms V414A.
Identifiers: ClinVar variation 3356386 (VCV003356386.1).

ClinVar aggregate classification (germline): Uncertain significance (0 of 4 stars; one submission).

Conditions:
GBE1-related disorder. Also called: GBE1-related condition; GBE1-related disorders. Identifiers: MedGen CN239402.

gnomAD v4.1: 10 of 1,592,874 alleles (0.00063%); highest among the groups gnomAD compares: Non-Finnish European, 0.00086%; no homozygotes.

Submission:

PreventionGenetics, part of Exact Sciences
Classification: Uncertain significance for GBE1-related condition. Last evaluated: 2024-03-20. Review status: no assertion criteria provided. Collection method: clinical testing. Allele origin: germline.
Comment: The GBE1 c.1241T>C variant is predicted to result in the amino acid substitution p.Val414Ala. To our knowledge, this variant has not been reported in the literature. This variant is reported in 0.00092% of alleles in individuals of European (Non-Finnish) descent in gnomAD. At this time, the clinical significance of this variant is uncertain due to the absence of conclusive functional and genetic evidence.